The following is an entry in ClinVar:

ClinVar aggregate classification (germline): Likely benign (1 of 4 stars; one submission).

Allele frequency attached by ClinVar (database versions not stated): gnomAD 0.00001; ExAC 0.00005; TOPMed 0.00007; ESP Exome Variant Server 0.00008.
gnomAD v4.1: 99 of 1,613,876 alleles (0.0061%); highest among the groups gnomAD compares: Non-Finnish European, 0.0075%; no homozygotes.

Submission:

CeGaT Center for Human Genetics Tuebingen
Classification: Likely benign. Last evaluated: 2022-06-01. Review status: criteria provided, single submitter. Criteria: CeGaT Center For Human Genetics Tuebingen Variant Classification Criteria Version 2. Collection method: clinical testing. Allele origin: germline. Affected: yes. Observed: 1 variant allele.
Comment: ARHGAP39: BP4, BP7

NM_025251.3(ARHGAP39):c.57G>A (p.Ser19=)

Gene: ARHGAP39 (Rho GTPase activating protein 39; minus strand). Cytogenetic location: 8q24.3.
Variant type: single nucleotide variant.
Coding change: c.57G>A on transcript NM_025251.3 (MANE Select); coding-DNA position 57, G replaced by A.
Protein change: p.Ser19=; no amino-acid change (serine 19 retained).
Molecular consequence: synonymous variant.
Genome position (GRCh38, 1-based): chr8:144,605,558, C>T on the plus strand (G>A on the coding strand, the complement: ARHGAP39 is on the minus strand). VCF-style: chr8-144605558-C-T. GRCh37 (hg19) VCF-style: chr8-145830943-C-T.
Other names: c.57G>A, p.Ser19= (NM_001308207.1, NM_001308208.2).
Identifiers: ClinVar variation 2658999 (VCV002658999.24), dbSNP rs367748801, ClinGen allele CA4951489.